The following is an entry in ClinVar:

ClinVar aggregate classification (germline): Likely pathogenic. Review status: criteria provided, single submitter (1 of 4 stars). 2 submissions from 2 submitters: Likely pathogenic (1). 1 of the submissions does not count toward it. Last evaluated 2026-02-02.

Conditions:
PHF6-related disorder. Also called: PHF6-related condition.

Submissions (2):

GeneDx
Classification: Likely pathogenic. Last evaluated: 2026-02-02. Review status: criteria provided, single submitter. Criteria: GeneDx Variant Classification Process June 2021. Collection method: clinical testing. Allele origin: germline. Affected: yes.
Comment: Functional studies demonstrate that the I314V missense variant had no significant effect on PHF6 function (PMID: 33149206); In silico analysis suggests that this missense variant does not alter protein structure/function; Not observed at significant frequency in large population cohorts (gnomAD); This variant is associated with the following publications: (PMID: 27633282, 19187102, 24554700, 15994862, 33149206)

PreventionGenetics, part of Exact Sciences
Classification: Uncertain significance for PHF6-related condition. Last evaluated: 2024-02-08. Review status: no assertion criteria provided. Collection method: clinical testing. Allele origin: germline. Not counted in ClinVar's aggregate classification.
Comment: The PHF6 c.940A>G variant is predicted to result in the amino acid substitution p.Ile314Val. Structural analysis of the p.Ile314Val variant suggests that is does not have an impact on the protein structure, but may interfere with the interaction of PHF6 binding partners (Liu et al. 2014. PubMed ID: 24554700). This variant has not been reported in a large population database, indicating this variant is rare. At this time, the clinical significance of this variant is uncertain due to the absence of conclusive functional and genetic evidence.

NM_001015877.2(PHF6):c.940A>G (p.Ile314Val)

Gene: PHF6 (PHD finger protein 6; plus strand). Cytogenetic location: Xq26.2.
Variant type: single nucleotide variant.
Coding change: c.940A>G on transcript NM_001015877.2 (MANE Select); coding-DNA position 940, A replaced by G.
Protein change: p.Ile314Val; replaces isoleucine 314 with valine.
Molecular consequence: missense variant.
Genome position (GRCh38, 1-based): chrX:134,417,274, A>G. VCF-style: chrX-134417274-A-G. GRCh37 (hg19) VCF-style: chrX-133551304-A-G.
Other names: c.940A>G, p.Ile314Val (NM_032458.3); short protein forms I314V.
Identifiers: ClinVar variation 1303046 (VCV001303046.5), dbSNP rs2124252852, ClinGen allele CA414707900.